The following is an entry in ClinVar:

ClinVar aggregate classification (germline): Likely pathogenic (1 of 4 stars; one submission).

Conditions:
Dyskeratosis congenita, autosomal dominant 1 (DKCA1). Also called: Dyskeratosis congenita Scoggins type. Identifiers: Orphanet 1775, MedGen C4551974, MONDO:0007485, OMIM 127550. Inheritance: Variable.

Submission:

Godley laboratory, The University of Chicago
Classification: Likely pathogenic for Dyskeratosis congenita, autosomal dominant 1. Last evaluated: 2020-05-21. Review status: criteria provided, single submitter. Criteria: ACMG Guidelines, 2015. Collection method: clinical testing. Allele origin: germline. Inheritance: Autosomal dominant inheritance. Affected: yes. Observed: 1 heterozygote.
Comment: Telomeres are at the 1st percentile in lymphocytes.

Literature cited by the submitters: PubMed 27192671.

NC_000003.12:g.169482735del

Genes: TERC (telomerase RNA component; minus strand), MECOM (MDS1 and EVI1 complex locus; minus strand). Cytogenetic location: 3q26.2.
Variant type: Deletion.
Molecular consequence: intron variant (on NM_004991.4).
Genome position: GRCh38 VCF-style: chr3-169482733-AG-A. GRCh37 (hg19) VCF-style: chr3-169200521-AG-A.
Other names: c.-190+180602del (NM_001205194.2); c.38-101210del (NM_001366473.2, NM_001366466.2, NM_004991.4).
Identifiers: ClinVar variation 916673 (VCV000916673.2), dbSNP rs1751515079, ClinGen allele CA1139658328.